The following is an entry in ClinVar:

NM_000507.4(FBP1):c.959_960delinsTG (p.Gly320Val)

Gene: FBP1 (fructose-bisphosphatase 1; minus strand). Cytogenetic location: 9q22.32.
Variant type: Indel.
Coding change: c.959_960delinsTG on transcript NM_000507.4 (MANE Select); coding-DNA positions 959 to 960, GA replaced by TG.
Protein change: p.Gly320Val; replaces glycine 320 with valine.
Molecular consequence: missense variant.
Genome position (GRCh38, 1-based): chr9:94,603,438-94,603,439, TC replaced by CA on the plus strand (GA replaced by TG on the coding strand, the reverse complement: FBP1 is on the minus strand). VCF-style: chr9-94603438-TC-CA. GRCh37 (hg19) VCF-style: chr9-97365720-TC-CA.
Other names: c.959_960delinsTG, p.Gly320Val (NM_001127628.2); short protein forms G320V.
Identifiers: ClinVar variation 2037935 (VCV002037935.4), dbSNP rs2538927199, ClinGen allele CA2580080677.

ClinVar aggregate classification (germline): Uncertain significance (1 of 4 stars; one submission).

Conditions:
Fructose-biphosphatase deficiency (FBP1D). Also called: Fructose-1,6-Diphosphatase Deficiency; Fructose 1,6 Bisphosphatase Deficiency; Fructose-1,6-Bisphosphatase 1 Deficiency. Identifiers: Orphanet 348, MedGen C0016756, MONDO:0009251, OMIM 229700.

Submission:

Labcorp Genetics (formerly Invitae), Labcorp
Classification: Uncertain significance for Fructose-biphosphatase deficiency. Last evaluated: 2022-09-01. Review status: criteria provided, single submitter. Criteria: Invitae Variant Classification Sherloc (09022015). Collection method: clinical testing. Allele origin: germline.
Comment: Information on the frequency of this variant in the gnomAD database is not available, as this variant may be reported differently in the database. This sequence change replaces glycine, which is neutral and non-polar, with valine, which is neutral and non-polar, at codon 320 of the FBP1 protein (p.Gly320Val). This variant has not been reported in the literature in individuals affected with FBP1-related conditions. Algorithms developed to predict the effect of missense changes on protein structure and function are either unavailable or do not agree on the potential impact of this missense change (SIFT: "Not Available"; PolyPhen-2: "Probably Damaging"; Align-GVGD: "Not Available"). In summary, the available evidence is currently insufficient to determine the role of this variant in disease. Therefore, it has been classified as a Variant of Uncertain Significance.